The following is an entry in ClinVar:

NM_213622.4(STAMBP):c.1119-5T>G

Gene: STAMBP (STAM binding protein; plus strand). Cytogenetic location: 2p13.1.
Variant type: single nucleotide variant.
Coding change: c.1119-5T>G on transcript NM_213622.4 (MANE Select); 5 bases into the intron before coding-DNA position 1119, T replaced by G.
Molecular consequence: intron variant.
Genome position (GRCh38, 1-based): chr2:73,860,047, T>G. VCF-style: chr2-73860047-T-G. GRCh37 (hg19) VCF-style: chr2-74087174-T-G.
Other names: c.714-5T>G (NM_001353976.2, NM_001353974.2, NM_001353975.2 and 3 more transcripts); c.1119-5T>G (NM_001353970.2, NM_006463.6, NM_001353968.2 and 3 more transcripts).
Identifiers: ClinVar variation 2126440 (VCV002126440.4), dbSNP rs2466767914, ClinGen allele CA1032235043.
Genomic context (GRCh38, chr2:73,860,047, plus strand): 5'-GTGCATATGTTTGGGATGGAGGGACACCTTTGCTTGACTCTTAGCCTGCCTTTTTTAAAT[T>G]TCAGAACTGGATTCTTTAAACTAACTGACCATGGACTAGAGGAGATTTCTTCCTGTCGCC-3'

ClinVar aggregate classification (germline): Uncertain significance (1 of 4 stars; one submission).

Submission:

Labcorp Genetics (formerly Invitae), Labcorp
Classification: Uncertain significance. Last evaluated: 2022-06-06. Review status: criteria provided, single submitter. Criteria: Invitae Variant Classification Sherloc (09022015). Collection method: clinical testing. Allele origin: germline.
Comment: In summary, the available evidence is currently insufficient to determine the role of this variant in disease. Therefore, it has been classified as a Variant of Uncertain Significance. Algorithms developed to predict the effect of sequence changes on RNA splicing suggest that this variant may disrupt the consensus splice site. This variant has not been reported in the literature in individuals affected with STAMBP-related conditions. This variant is not present in population databases (gnomAD no frequency). This sequence change falls in intron 9 of the STAMBP gene. It does not directly change the encoded amino acid sequence of the STAMBP protein.